The following is an entry in ClinVar:

GRCh38/hg38 16q23.1(chr16:78064581-78624387)x3

Genes: WWOX (WW domain containing oxidoreductase; plus strand), WWOX-AS1 (WWOX antisense RNA 1; minus strand), LOC110120570 (VISTA enhancer hs12; plus strand), LOC112486209 (Sharpr-MPRA regulatory region 4302; plus strand), LOC121587562 (Sharpr-MPRA regulatory region 1447; plus strand) and 11 more. Cytogenetic location: 16q23.1.
Variant type: copy number gain.
Change: copy number 3 (three copies instead of two) of chr16:78,064,581-78,624,387 (559.8 kb, GRCh38 coordinates, 1-based), cytogenetic band 16q23.1.
Identifiers: ClinVar variation 60028 (VCV000060028.1).

ClinVar aggregate classification (germline): Uncertain significance (1 of 4 stars; one submission).

Submission:

ISCA site 14
Classification: Uncertain significance. Last evaluated: 2011-08-12. Review status: criteria provided, single submitter. Criteria: Kaminsky et al. (Genet Med. 2011). Collection method: clinical testing. Allele origin: maternal. Affected: yes. Observed: 1 variant allele.
Comment: Copy number variation identified through the course of routine clinical cytogenomic testing in postnatal populations. Clinical assertions have been curated as described in Kaminsky et al. 2011.